The following is an entry in ClinVar:

NM_213599.3(ANO5):c.899T>A (p.Ile300Asn)

Gene: ANO5 (anoctamin 5; plus strand). Cytogenetic location: 11p14.3.
Variant type: single nucleotide variant.
Coding change: c.899T>A on transcript NM_213599.3 (MANE Select); coding-DNA position 899, T replaced by A.
Protein change: p.Ile300Asn; replaces isoleucine 300 with asparagine.
Molecular consequence: missense variant.
Genome position (GRCh38, 1-based): chr11:22,250,257, T>A. VCF-style: chr11-22250257-T-A. GRCh37 (hg19) VCF-style: chr11-22271803-T-A.
Other names: c.896T>A, p.Ile299Asn (NM_001142649.2); short protein forms I300N, I299N.
Identifiers: ClinVar variation 291127 (VCV000291127.8), dbSNP rs886044659, ClinGen allele CA10607028.

ClinVar aggregate classification (germline): Uncertain significance. Review status: criteria provided, multiple submitters, no conflicts (2 of 4 stars). 2 submissions from 2 submitters: Uncertain significance (2). Last evaluated 2022-12-15.

Conditions:
Autosomal recessive limb-girdle muscular dystrophy type 2L (LGMDR12). Also called: Limb-girdle muscular dystrophy, type 2L; Limb-Girdle Muscular Dystrophy R12 Anoctamin-5-Related (LGMD-R12); MUSCULAR DYSTROPHY, LIMB-GIRDLE, AUTOSOMAL RECESSIVE 12. Identifiers: Orphanet 206549, MedGen C1969785, MONDO:0012652, OMIM 611307.
Gnathodiaphyseal dysplasia (GDD). Also called: GNATHODIAPHYSEAL SCLEROSIS; OSTEOGENESIS IMPERFECTA WITH UNUSUAL SKELETAL LESIONS. Identifiers: Orphanet 53697, MedGen C1833736, MONDO:0008151, OMIM 166260.

gnomAD v4.1: 2 of 1,593,194 alleles (0.00013%); highest among the groups gnomAD compares: Non-Finnish European, 0.00017%; no homozygotes.

Submissions (2):

Labcorp Genetics (formerly Invitae), Labcorp
Classification: Uncertain significance for Autosomal recessive limb-girdle muscular dystrophy type 2L; Gnathodiaphyseal dysplasia. Last evaluated: 2022-12-15. Review status: criteria provided, single submitter. Criteria: Invitae Variant Classification Sherloc (09022015). Collection method: clinical testing. Allele origin: germline.
Comment: This sequence change replaces isoleucine, which is neutral and non-polar, with asparagine, which is neutral and polar, at codon 300 of the ANO5 protein (p.Ile300Asn). This variant is not present in population databases (gnomAD no frequency). This variant has not been reported in the literature in individuals affected with ANO5-related conditions. ClinVar contains an entry for this variant (Variation ID: 291127). Advanced modeling of protein sequence and biophysical properties (such as structural, functional, and spatial information, amino acid conservation, physicochemical variation, residue mobility, and thermodynamic stability) performed at Invitae indicates that this missense variant is expected to disrupt ANO5 protein function. In summary, the available evidence is currently insufficient to determine the role of this variant in disease. Therefore, it has been classified as a Variant of Uncertain Significance.

Eurofins Ntd Llc (ga)
Classification: Uncertain significance. Last evaluated: 2016-09-07. Review status: criteria provided, single submitter. Criteria: EGL Classification Definitions 2015. Collection method: clinical testing. Allele origin: germline. Observed: 1 variant allele, 1 heterozygote.